The following is an entry in ClinVar:

ClinVar aggregate classification (germline): Pathogenic. Review status: criteria provided, multiple submitters, no conflicts (2 of 4 stars). 2 submissions from 2 submitters: Pathogenic (2). Last evaluated 2022-03-04.

Conditions:
NOTCH3-related disorder. Also called: NOTCH3-related condition; NOTCH3-related disorders.

Allele frequency attached by ClinVar (database versions not stated): gnomAD exomes below 0.00001; TOPMed below 0.00001; gnomAD 0.00001.
gnomAD v4.1: 2 of 1,613,228 alleles (0.00012%); highest among the groups gnomAD compares: Non-Finnish European, 0.00017%; no homozygotes.

Submissions (2):

Blueprint Genetics
Classification: Pathogenic for NOTCH3-related disorders. Last evaluated: 2022-03-04. Review status: criteria provided, single submitter. Criteria: ACMG Guidelines, 2015. Collection method: clinical testing. Allele origin: germline. Affected: yes. Observed: 1 variant allele.

Athena Diagnostics
Classification: Pathogenic. Last evaluated: 2020-07-07. Review status: criteria provided, single submitter. Criteria: Athena Diagnostics Criteria. Collection method: clinical testing. Allele origin: unknown.
Comment: The variant disrupts a cysteine residue in an EGF-like repeat domain, which is important for the structure of this protein. Therefore it is expected to severely affect the function of the protein. Found in at least one patient with expected phenotype for this gene, and not found in general population data. Predicted to have a damaging effect on the protein.

Literature cited by the submitters: PubMed 28710804 (cited by Athena Diagnostics); PubMed 12821764 (cited by Athena Diagnostics); PubMed 15364702 (cited by Athena Diagnostics); PubMed 16009764 (cited by Athena Diagnostics).

NM_000435.3(NOTCH3):c.1010A>G (p.Tyr337Cys)

Gene: NOTCH3 (notch receptor 3; minus strand). Cytogenetic location: 19p13.12.
Variant type: single nucleotide variant.
Coding change: c.1010A>G on transcript NM_000435.3 (MANE Select); coding-DNA position 1010, A replaced by G.
Protein change: p.Tyr337Cys; replaces tyrosine 337 with cysteine.
Molecular consequence: missense variant.
Genome position (GRCh38, 1-based): chr19:15,191,450, T>C on the plus strand (A>G on the coding strand, the complement: NOTCH3 is on the minus strand). VCF-style: chr19-15191450-T-C. GRCh37 (hg19) VCF-style: chr19-15302261-T-C.
Other names: short protein forms Y337C.
Identifiers: ClinVar variation 994539 (VCV000994539.2), dbSNP rs2046925676, ClinGen allele CA404530802.